The following is an entry in ClinVar:

NM_024642.5(GALNT12):c.1497C>T (p.Asn499=)

Gene: GALNT12 (polypeptide N-acetylgalactosaminyltransferase 12; plus strand). Cytogenetic location: 9q22.33.
Variant type: single nucleotide variant.
Coding change: c.1497C>T on transcript NM_024642.5 (MANE Select); coding-DNA position 1497, C replaced by T.
Protein change: p.Asn499=; no amino-acid change (asparagine 499 retained).
Molecular consequence: synonymous variant.
Genome position (GRCh38, 1-based): chr9:98,846,015, C>T. VCF-style: chr9-98846015-C-T. GRCh37 (hg19) VCF-style: chr9-101608297-C-T.
Identifiers: ClinVar variation 221077 (VCV000221077.27), dbSNP rs35632007, ClinGen allele CA349364.

ClinVar aggregate classification (germline): Benign/Likely benign. Review status: criteria provided, multiple submitters, no conflicts (2 of 4 stars). 10 submissions from 10 submitters: Benign (4); Likely benign (6). Last evaluated 2026-04-27.

Conditions:
Hereditary cancer-predisposing syndrome. Also called: Hereditary Cancer Syndrome; Tumor predisposition; Neoplastic Syndromes, Hereditary; Hereditary neoplastic syndrome. Identifiers: Orphanet 140162, MedGen C0027672, MeSH D009386, MONDO:0015356.
Colorectal cancer, susceptibility to, 1. Also called: COLORECTAL ADENOMA AND CANCER, SUSCEPTIBILITY TO; COLORECTAL CANCER, SUSCEPTIBILITY TO, ON CHROMOSOME 9. Identifiers: MedGen C1837315, MONDO:0012132, OMIM 608812.

Allele frequency attached by ClinVar (database versions not stated): 1000 Genomes Project 30x 0.00094; 1000 Genomes Project 0.00100; gnomAD exomes 0.00181 and 0.00270; ExAC 0.00182; ESP Exome Variant Server 0.00200; gnomAD 0.00203 and 0.00208; TOPMed 0.00228.
gnomAD v4.1: 4,235 of 1,614,160 alleles (0.26%); highest among the groups gnomAD compares: Middle Eastern, 0.71%; 4 homozygotes.

Submissions (10):

Myriad Genetics, Inc.
Classification: Benign for Colorectal cancer, susceptibility to, 1. Last evaluated: 2026-04-27. Review status: criteria provided, single submitter. Criteria: Myriad Autosomal Dominant, Autosomal Recessive and X-Linked Classification Criteria (2023). Collection method: clinical testing. Allele origin: unknown.
Comment: This variant is considered benign. This variant is a silent/synonymous amino acid change and it is not expected to impact splicing.

Labcorp Genetics (formerly Invitae), Labcorp
Classification: Benign. Last evaluated: 2026-02-02. Review status: criteria provided, single submitter. Criteria: Invitae Variant Classification Sherloc (09022015). Collection method: clinical testing. Allele origin: germline.

Institute for Biomarker Research, Medical Diagnostic Laboratories, L.L.C.
Classification: Likely benign for Hereditary cancer-predisposing syndrome. Last evaluated: 2026-01-27. Review status: criteria provided, single submitter. Criteria: ACMG Guidelines, 2015. Collection method: clinical testing. Allele origin: germline.
Comment: The synonymous variant NM_024642.5(GALNT12):c.1497C>T (p.Asn499=) has been reported to ClinVar as Benign/Likely benign with a status of (2 stars) criteria provided, multiple submitters, no conflicts (Accession: VCV000221077.23). The p.Asn499= variant is not predicted to disrupt an existing splice site. The p.Asn499= variant results in a substitution of a base that is not predicted conserved by GERP++ and PhyloP. For these reasons, this variant has been classified as Likely Benign.

Quest Diagnostics Nichols Institute San Juan Capistrano
Classification: Benign. Last evaluated: 2025-10-16. Review status: criteria provided, single submitter. Criteria: Quest Diagnostics criteria. Collection method: clinical testing. Allele origin: unknown.

Blueprint Genetics
Classification: Likely benign. Last evaluated: 2024-11-23. Review status: criteria provided, single submitter. Criteria: ACMG Guidelines, 2015. Collection method: clinical testing. Allele origin: germline.

Department of Pathology and Laboratory Medicine, Sinai Health System
Classification: Benign for Colorectal cancer, susceptibility to, 1. Last evaluated: 2022-08-04. Review status: criteria provided, single submitter. Criteria: ACMG Guidelines, 2015. Collection method: clinical testing. Allele origin: germline. Affected: yes.

GeneDx
Classification: Likely benign. Last evaluated: 2021-05-17. Review status: criteria provided, single submitter. Criteria: GeneDx Variant Classification Process June 2021. Collection method: clinical testing. Allele origin: germline. Affected: yes.

Genetic Services Laboratory, University of Chicago
Classification: Likely benign. Last evaluated: 2020-11-18. Review status: criteria provided, single submitter. Criteria: ACMG Guidelines, 2015. Collection method: clinical testing. Allele origin: germline. Affected: no.

Ambry Genetics
Classification: Likely benign. Last evaluated: 2016-08-10. Review status: criteria provided, single submitter. Criteria: Ambry Variant Classification Scheme 2023. Collection method: clinical testing. Allele origin: germline.

Breakthrough Genomics
Classification: Likely benign. Review status: criteria provided, single submitter. Criteria: ACMG Guidelines, 2015. Collection method: not provided. Allele origin: germline. Inheritance: Unknown mechanism. Affected: yes.

Literature cited by the submitters: PubMed 24115450 (cited by Quest Diagnostics Nichols Institute San Juan Capistrano); PubMed 22461326 (cited by Quest Diagnostics Nichols Institute San Juan Capistrano).